The following is an entry in ClinVar:

NM_003238.6(TGFB2):c.923A>G (p.Tyr308Cys)

Gene: TGFB2 (transforming growth factor beta 2; plus strand). Cytogenetic location: 1q41.
Variant type: single nucleotide variant.
Coding change: c.923A>G on transcript NM_003238.6 (MANE Select); coding-DNA position 923, A replaced by G.
Protein change: p.Tyr308Cys; replaces tyrosine 308 with cysteine.
Molecular consequence: missense variant. On other transcripts: non-coding transcript variant (2).
Genome position (GRCh38, 1-based): chr1:218,436,138, A>G. VCF-style: chr1-218436138-A-G. GRCh37 (hg19) VCF-style: chr1-218609480-A-G.
Other names: c.1007A>G, p.Tyr336Cys (NM_001135599.4); short protein forms Y336C, Y308C.
Identifiers: ClinVar variation 1462133 (VCV001462133.8), dbSNP rs750774144, ClinGen allele CA344727352.

ClinVar aggregate classification (germline): Uncertain significance (1 of 4 stars; one submission).

Conditions:
Loeys-Dietz syndrome 4 (LDS4). Also called: TGFB2-Related Loeys-Dietz Syndrome; ANEURYSM, AORTIC AND CEREBRAL, WITH ARTERIAL TORTUOSITY AND SKELETAL MANIFESTATIONS. Identifiers: MedGen C3553762, MONDO:0013897, OMIM 614816.

Submission:

Labcorp Genetics (formerly Invitae), Labcorp
Classification: Uncertain significance for Loeys-Dietz syndrome 4. Last evaluated: 2024-11-30. Review status: criteria provided, single submitter. Criteria: Invitae Variant Classification Sherloc (09022015). Collection method: clinical testing. Allele origin: germline.
Comment: This sequence change replaces tyrosine, which is neutral and polar, with cysteine, which is neutral and slightly polar, at codon 308 of the TGFB2 protein (p.Tyr308Cys). This variant is not present in population databases (gnomAD no frequency). This missense change has been observed in individual(s) with TGFB2-related conditions (internal data). ClinVar contains an entry for this variant (Variation ID: 1462133). Invitae Evidence Modeling of protein sequence and biophysical properties (such as structural, functional, and spatial information, amino acid conservation, physicochemical variation, residue mobility, and thermodynamic stability) indicates that this missense variant is not expected to disrupt TGFB2 protein function with a negative predictive value of 80%. In summary, the available evidence is currently insufficient to determine the role of this variant in disease. Therefore, it has been classified as a Variant of Uncertain Significance.